The following is an entry in ClinVar:

NM_001366145.2(TRPM3):c.2867C>T (p.Thr956Met)

Gene: TRPM3 (transient receptor potential cation channel subfamily M member 3; minus strand). Cytogenetic location: 9q21.12.
Variant type: single nucleotide variant.
Coding change: c.2867C>T on transcript NM_001366145.2 (MANE Select); coding-DNA position 2867, C replaced by T.
Protein change: p.Thr956Met; replaces threonine 956 with methionine.
Molecular consequence: missense variant.
Genome position (GRCh38, 1-based): chr9:70,598,600, G>A on the plus strand (C>T on the coding strand, the complement: TRPM3 is on the minus strand). VCF-style: chr9-70598600-G-A. GRCh37 (hg19) VCF-style: chr9-73213516-G-A.
Other names: c.2831C>T, p.Thr944Met (NM_001007471.4, NM_001366151.2); c.2837C>T, p.Thr946Met (NM_001366141.2, NM_001366143.2, NM_001366149.2); c.2873C>T, p.Thr958Met (NM_001366142.2); c.2867C>T, p.Thr956Met (NM_001366146.2); c.2942C>T, p.Thr981Met (NM_001366147.2, NM_001366152.2); c.2912C>T, p.Thr971Met (NM_001366148.2); c.2801C>T, p.Thr934Met (NM_001366150.2); c.2408C>T, p.Thr803Met (NM_001366154.2, NM_024971.7); and 5 more; short protein forms T781M, T791M, T793M, T803M, T806M, T816M, T934M, T944M.
Identifiers: ClinVar variation 1312224 (VCV001312224.2), dbSNP rs1355173307, ClinGen allele CA373555219.

ClinVar aggregate classification (germline): Uncertain significance (1 of 4 stars; one submission).

Allele frequency attached by ClinVar (database versions not stated): gnomAD 0.00001; TOPMed 0.00001.
gnomAD v4.1: 5 of 1,614,082 alleles (0.00031%); highest among the groups gnomAD compares: East Asian, 0.0022%; no homozygotes.

Submission:

GeneDx
Classification: Uncertain significance. Last evaluated: 2019-09-19. Review status: criteria provided, single submitter. Criteria: GeneDx Variant Classification Process June 2021. Collection method: clinical testing. Allele origin: germline. Affected: yes.
Comment: Not observed in large population cohorts (Lek et al., 2016); In silico analysis, which includes protein predictors and evolutionary conservation, supports a deleterious effect; Has not been previously published as pathogenic or benign to our knowledge